The following is an entry in ClinVar:

NM_001356.5(DDX3X):c.841C>T (p.Gln281Ter)

Gene: DDX3X (DEAD-box helicase 3 X-linked; plus strand). Cytogenetic location: Xp11.4.
Variant type: single nucleotide variant.
Coding change: c.841C>T on transcript NM_001356.5 (MANE Select); coding-DNA position 841, C replaced by T.
Protein change: p.Gln281Ter; replaces glutamine 281 with a stop codon.
Molecular consequence: nonsense. On other transcripts: non-coding transcript variant (1).
Genome position (GRCh38, 1-based): chrX:41,344,105, C>T. VCF-style: chrX-41344105-C-T. GRCh37 (hg19) VCF-style: chrX-41203358-C-T.
Other names: c.841C>T, p.Gln281Ter (NM_001193416.3); c.793C>T, p.Gln265Ter (NM_001193417.3); c.283C>T, p.Gln95Ter (NM_001363819.1); c.841C>T (NM_001193416.1); short protein forms Q281*, Q265*, Q95*.
Identifiers: ClinVar variation 1452148 (VCV001452148.8), dbSNP rs2147353543, ClinGen allele CA412770296.

ClinVar aggregate classification (germline): Pathogenic. Review status: criteria provided, multiple submitters, no conflicts (2 of 4 stars). 3 submissions from 3 submitters: Pathogenic (3). Last evaluated 2025-01-09.

Conditions:
Intellectual disability, X-linked 102 (MRXSSB). Also called: Intellectual developmental disorder, X-linked syndromic, Snijders Blok type. Identifiers: Orphanet 457260, MedGen C5393299, MONDO:0010497, OMIM 300958.

Submissions (3):

GeneDx
Classification: Pathogenic. Last evaluated: 2025-01-09. Review status: criteria provided, single submitter. Criteria: GeneDx Variant Classification Process June 2021. Collection method: clinical testing. Allele origin: germline. Affected: yes.
Comment: Nonsense variant predicted to result in protein truncation or nonsense mediated decay in a gene for which loss of function is a known mechanism of disease; Not observed at significant frequency in large population cohorts (gnomAD); This variant is associated with the following publications: (PMID: 38421120)

Labcorp Genetics (formerly Invitae), Labcorp
Classification: Pathogenic. Last evaluated: 2023-10-13. Review status: criteria provided, single submitter. Criteria: Invitae Variant Classification Sherloc (09022015). Collection method: clinical testing. Allele origin: germline.
Comment: This sequence change creates a premature translational stop signal (p.Gln281*) in the DDX3X gene. It is expected to result in an absent or disrupted protein product. Loss-of-function variants in DDX3X are known to be pathogenic (PMID: 26235985). This variant is not present in population databases (gnomAD no frequency). This variant has not been reported in the literature in individuals affected with DDX3X-related conditions. ClinVar contains an entry for this variant (Variation ID: 1452148). For these reasons, this variant has been classified as Pathogenic.

Institute of Human Genetics Munich, TUM University Hospital
Classification: Pathogenic for Intellectual disability, X-linked 102. Last evaluated: 2021-09-24. Review status: criteria provided, single submitter. Criteria: Classification criteria August 2017. Collection method: clinical testing. Allele origin: de novo. Inheritance: X-linked inheritance. Affected: yes. Observed: 1 variant allele.

Literature cited by the submitters: PubMed 26235985 (cited by Labcorp Genetics (formerly Invitae), Labcorp).